The following is an entry in ClinVar:

NM_031443.4(CCM2):c.93del (p.Ala32fs)

Gene: CCM2 (CCM2 scaffold protein; plus strand). Cytogenetic location: 7p13.
Variant type: Deletion.
Coding change: c.93del on transcript NM_031443.4 (MANE Select); coding-DNA position 93, one base deleted (A; older notation c.93delA).
Protein change: p.Ala32fs; shifts the reading frame from alanine 32.
Molecular consequence: frameshift variant. On other transcripts: non-coding transcript variant (1), intron variant (2).
Genome position (GRCh38, 1-based): chr7:45,038,315, A deleted; the last of 3 consecutive A bases (chr7:45,038,313-45,038,315); deleting any one gives the same sequence. VCF-style (leftmost placement, unchanged base first): chr7-45038312-GA-G. GRCh37 (hg19) VCF-style: chr7-45077911-GA-G.
Other names: c.156del, p.Ala53fs (NM_001029835.2); c.93del, p.Ala32fs (NM_001167935.2, NM_001363458.2); c.31-25603del (NM_001363459.2, NM_001167934.2); short protein forms A32fs, A53fs.
Identifiers: ClinVar variation 1383573 (VCV001383573.6), dbSNP rs2128729110, ClinGen allele CA2573142185.

ClinVar aggregate classification (germline): Pathogenic (1 of 4 stars; one submission).

Conditions:
Cerebral cavernous malformation 2. Also called: Familial Cerebral Cavernous Malformation 2. Identifiers: Orphanet 221061, MedGen C1864041, MONDO:0011304, OMIM 603284.

Submission:

Labcorp Genetics (formerly Invitae), Labcorp
Classification: Pathogenic for Cerebral cavernous malformation 2. Last evaluated: 2020-10-24. Review status: criteria provided, single submitter. Criteria: Invitae Variant Classification Sherloc (09022015). Collection method: clinical testing. Allele origin: germline.
Comment: For these reasons, this variant has been classified as Pathogenic. This variant has not been reported in the literature in individuals with CCM2-related conditions. This variant is not present in population databases (ExAC no frequency). This sequence change creates a premature translational stop signal (p.Ala32Profs*5) in the CCM2 gene. It is expected to result in an absent or disrupted protein product. Loss-of-function variants in CCM2 are known to be pathogenic (PMID: 18300272, 24689081).

Literature cited by the submitters: PubMed 18300272; PubMed 24689081.